The following is an entry in ClinVar:

ClinVar aggregate classification (germline): Likely pathogenic. Review status: criteria provided, multiple submitters, no conflicts (2 of 4 stars). 4 submissions from 4 submitters: Likely pathogenic (2). 2 of the submissions do not count toward it. Last evaluated 2024-10-18.

Conditions:
Duchenne muscular dystrophy (DMD). Also called: Duchenne Muscular Dystrophy (DMD); MUSCULAR DYSTROPHY, PSEUDOHYPERTROPHIC PROGRESSIVE, DUCHENNE TYPE. Identifiers: Orphanet 98896, MedGen C0013264, MONDO:0010679, OMIM 310200.

Submissions (4):

Labcorp Genetics (formerly Invitae), Labcorp
Classification: Likely pathogenic for Duchenne muscular dystrophy. Last evaluated: 2024-10-18. Review status: criteria provided, single submitter. Criteria: Invitae Variant Classification Sherloc (09022015). Collection method: clinical testing. Allele origin: germline.
Comment: This sequence change affects a donor splice site in intron 41 of the DMD gene. It is expected to disrupt RNA splicing. Variants that disrupt the donor or acceptor splice site typically lead to a loss of protein function (PMID: 16199547), and loss-of-function variants in DMD are known to be pathogenic (PMID: 16770791, 25007885). This variant is not present in population databases (gnomAD no frequency). This variant has not been reported in the literature in individuals affected with DMD-related conditions. ClinVar contains an entry for this variant (Variation ID: 813446). Algorithms developed to predict the effect of sequence changes on RNA splicing suggest that this variant may disrupt the consensus splice site. In summary, the currently available evidence indicates that the variant is pathogenic, but additional data are needed to prove that conclusively. Therefore, this variant has been classified as Likely Pathogenic.

ARUP Laboratories, Molecular Genetics and Genomics, ARUP Laboratories
Classification: Likely pathogenic. Last evaluated: 2021-06-17. Review status: criteria provided, single submitter. Criteria: ARUP Molecular Germline Variant Investigation Process 2021. Collection method: clinical testing. Allele origin: germline.
Comment: The DMD c.5922+1G>T variant (rs1603631219), to our knowledge, is not reported in the medical literature or gene specific databases. This variant is reported in ClinVar (Variation ID: 813446) and is absent from the Genome Aggregation Database, indicating it is not a common polymorphism. This variant disrupts the canonical splice donor site of intron 41, which is likely to result in an in-frame deletion of exon 41 associated with a milder phenotype (Monaco 1988). Additionally, different variants at this splice donor site (c.5922+2T>C, c.5922+3G>C, c.5922+4A>T, c.5922+5G>C) have been reported in patients affected with Becker muscular dystrophy (Deburgrave 2007, Flanigan 2009, Kong 2019, Wang 2019). Based on available information, this variant is considered to be likely pathogenic. REFERENCES Monaco et al. An explanation for the phenotypic differences between patients bearing partial deletions of the DMD locus. Genomics. 1988; 2(1): 90-95. Deburgrave N et al. Protein- and mRNA-based phenotype-genotype correlations in DMD/BMD with point mutations and molecular basis for BMD with nonsense and frameshift mutations in the DMD gene. Hum Mutat. 2007 Feb;28(2):183-95. PMID: 17041906. Flanigan KM et al. Mutational spectrum of DMD mutations in dystrophinopathy patients: application of modern diagnostic techniques to a large cohort. Hum Mutat. 2009 Dec;30(12):1657-66. PMID: 19937601 Kong X et al. Genetic analysis of 1051 Chinese families with Duchenne/Becker Muscular Dystrophy. BMC Med Genet. 2019 Aug 14;20(1):139. PMID: 31412794 Wang L et al. Genotypes and Phenotypes of DMD Small Mutations in Chinese Patients With Dystrophinopathies. Front Genet. 2019 Feb 18;10:114. PMID: 30833962

Science and Education Division, Hunan Jiahui Genetics Hospital
Classification: Uncertain significance for Duchenne muscular dystrophy. Last evaluated: 2026-11-08. Review status: no assertion criteria provided. Collection method: research. Allele origin: de novo, maternal. Inheritance: X-linked recessive inheritance. Affected: yes. Observed: 2 variant alleles, 2 hemizygotes. Not counted in ClinVar's aggregate classification.

Baylor Genetics
Classification: Likely pathogenic for Duchenne muscular dystrophy. Review status: no assertion criteria provided. Collection method: clinical testing. Allele origin: unknown. Not counted in ClinVar's aggregate classification.

Literature cited by the submitters: PubMed 16199547 (cited by Labcorp Genetics (formerly Invitae), Labcorp); PubMed 16770791 (cited by Labcorp Genetics (formerly Invitae), Labcorp); PubMed 25007885 (cited by Labcorp Genetics (formerly Invitae), Labcorp).

NM_004006.3(DMD):c.5922+1G>T

Gene: DMD (dystrophin; minus strand). Cytogenetic location: Xp21.1.
Variant type: single nucleotide variant.
Coding change: c.5922+1G>T on transcript NM_004006.3 (MANE Select); the canonical splice donor site of the intron after coding-DNA position 5922, G replaced by T.
Molecular consequence: splice donor variant.
Genome position (GRCh38, 1-based): chrX:32,342,099, C>A on the plus strand (G>T on the coding strand, the complement: DMD is on the minus strand). VCF-style: chrX-32342099-C-A. GRCh37 (hg19) VCF-style: chrX-32360216-C-A.
Other names: c.5898+1G>T (NM_000109.4); c.1899+1G>T (NM_004011.4); c.1890+1G>T (NM_004012.4); c.5910+1G>T (NM_004009.3); c.5553+1G>T (NM_004010.3).
Identifiers: ClinVar variation 813446 (VCV000813446.52), dbSNP rs1603631219, ClinGen allele CA412664643.